The following is an entry in ClinVar:

ClinVar aggregate classification (germline): Uncertain significance. Review status: criteria provided, multiple submitters, no conflicts (2 of 4 stars). 2 submissions from 2 submitters: Uncertain significance (2). Last evaluated 2024-04-20.

Conditions:
Basal laminar drusen. Also called: DRUSEN OF BRUCH MEMBRANE; DRUSEN, CUTICULAR; DRUSEN, EARLY ADULT-ONSET, GROUPED. Identifiers: Orphanet 75376, MedGen C0730295, MONDO:0007472, OMIM 126700.
Age related macular degeneration 4. Identifiers: MedGen C1853147, MONDO:0012540, OMIM 610698.
Factor H deficiency (CFHD). Also called: COMPLEMENT FACTOR H DEFICIENCY; CFH DEFICIENCY. Identifiers: Orphanet 200421, MedGen C0398777, MONDO:0012350, OMIM 609814.
Hemolytic uremic syndrome, atypical, susceptibility to, 1. Also called: AHUS, SUSCEPTIBILITY TO, 1. Identifiers: Orphanet 2134, Orphanet 90038, MedGen C2749604, MONDO:0009335, OMIM 235400. Disease mechanism: Other.

Allele frequency attached by ClinVar (database versions not stated): gnomAD exomes below 0.00001 and 0.00001; ExAC 0.00002; gnomAD 0.00005 and 0.00006; TOPMed 0.00008; ESP Exome Variant Server 0.00015.
gnomAD v4.1: 8 of 1,613,126 alleles (0.0005%); highest among the groups gnomAD compares: African/African-American, 0.0093%; no homozygotes.

Submissions (2):

Fulgent Genetics
Classification: Uncertain significance for Basal laminar drusen; Hemolytic uremic syndrome, atypical, susceptibility to, 1; Factor H deficiency; Age related macular degeneration 4. Last evaluated: 2024-04-20. Review status: criteria provided, single submitter. Criteria: ACMG Guidelines, 2015. Collection method: clinical testing. Allele origin: germline.

Labcorp Genetics (formerly Invitae), Labcorp
Classification: Uncertain significance. Last evaluated: 2022-08-10. Review status: criteria provided, single submitter. Criteria: Invitae Variant Classification Sherloc (09022015). Collection method: clinical testing. Allele origin: germline.
Comment: This sequence change replaces proline, which is neutral and non-polar, with serine, which is neutral and polar, at codon 923 of the CFH protein (p.Pro923Ser). This variant is present in population databases (rs368846503, gnomAD 0.02%). This variant has not been reported in the literature in individuals affected with CFH-related conditions. ClinVar contains an entry for this variant (Variation ID: 1444110). Algorithms developed to predict the effect of missense changes on protein structure and function output the following: SIFT: "Tolerated"; PolyPhen-2: "Possibly Damaging"; Align-GVGD: "Class C0". The serine amino acid residue is found in multiple mammalian species, which suggests that this missense change does not adversely affect protein function. In summary, the available evidence is currently insufficient to determine the role of this variant in disease. Therefore, it has been classified as a Variant of Uncertain Significance.

NM_000186.4(CFH):c.2767C>T (p.Pro923Ser)

Gene: CFH (complement factor H; plus strand). Cytogenetic location: 1q31.3.
Variant type: single nucleotide variant.
Coding change: c.2767C>T on transcript NM_000186.4 (MANE Select); coding-DNA position 2767, C replaced by T.
Protein change: p.Pro923Ser; replaces proline 923 with serine.
Molecular consequence: missense variant.
Genome position (GRCh38, 1-based): chr1:196,737,645, C>T. VCF-style: chr1-196737645-C-T. GRCh37 (hg19) VCF-style: chr1-196706775-C-T.
Other names: short protein forms P923S.
Identifiers: ClinVar variation 1444110 (VCV001444110.9), dbSNP rs368846503, ClinGen allele CA1305728.